The following is an entry in ClinVar:

NM_001093771.3(TXNRD1):c.690G>T (p.Leu230=)

Gene: TXNRD1 (thioredoxin reductase 1; plus strand). Cytogenetic location: 12q23.3.
Variant type: single nucleotide variant.
Coding change: c.690G>T on transcript NM_001093771.3 (MANE Select); coding-DNA position 690, G replaced by T.
Protein change: p.Leu230=; no amino-acid change (leucine 230 retained).
Molecular consequence: synonymous variant.
Genome position (GRCh38, 1-based): chr12:104,315,856, G>T. VCF-style: chr12-104315856-G-T. GRCh37 (hg19) VCF-style: chr12-104709634-G-T.
Other names: c.390G>T, p.Leu130= (NM_001261445.2); c.126G>T, p.Leu42= (NM_001261446.2); c.396G>T, p.Leu132= (NM_003330.4); c.240G>T, p.Leu80= (NM_182729.3, NM_182742.3, NM_182743.3).
Identifiers: ClinVar variation 3772548 (VCV003772548.13).
Genomic context (GRCh38, chr12:104,315,856, plus strand): 5'-GAATGTGGGTTGCATACCTAAAAAACTGATGCATCAAGCAGCTTTGTTAGGACAAGCCCT[G>T]CAAGACTCTCGAAATTATGGATGGAAAGTCGAGGAGACAGGTATGAGAGGGAAAAGCTAC-3'
Protein context (NP_001087240.1, residues 220-240): MHQAALLGQA[Leu230=]QDSRNYGWKV

ClinVar aggregate classification (germline): Likely benign (1 of 4 stars; one submission).

Submission:

CeGaT Center for Human Genetics Tuebingen
Classification: Likely benign. Last evaluated: 2025-02-01. Review status: criteria provided, single submitter. Criteria: CeGaT Center For Human Genetics Tuebingen Variant Classification Criteria Version 2. Collection method: clinical testing. Allele origin: germline. Affected: yes. Observed: 1 variant allele.
Comment: TXNRD1: PM2:Supporting, BP4, BP7